The following is an entry in ClinVar:

NM_004360.5(CDH1):c.35T>C (p.Leu12Pro)

Gene: CDH1 (cadherin 1; plus strand). Cytogenetic location: 16q22.1.
Variant type: single nucleotide variant.
Coding change: c.35T>C on transcript NM_004360.5 (MANE Select); coding-DNA position 35, T replaced by C.
Protein change: p.Leu12Pro; replaces leucine 12 with proline.
Molecular consequence: missense variant. On other transcripts: 5 prime UTR variant (2).
Genome position (GRCh38, 1-based): chr16:68,737,450, T>C. VCF-style: chr16-68737450-T-C. GRCh37 (hg19) VCF-style: chr16-68771353-T-C.
Other names: c.35T>C, p.Leu12Pro (NM_001317184.2); c.-1581T>C (NM_001317185.2); c.-1785T>C (NM_001317186.2); short protein forms L12P.
Identifiers: ClinVar variation 1485142 (VCV001485142.8), dbSNP rs1191249318, ClinGen allele CA396451378.

ClinVar aggregate classification (germline): Uncertain significance (1 of 4 stars; one submission).

Conditions:
Hereditary diffuse gastric adenocarcinoma (HDGC). Also called: DIFFUSE GASTRIC AND LOBULAR BREAST CANCER SYNDROME. Identifiers: Orphanet 26106, MedGen C1708349, MONDO:0007648, OMIM 137215.

Allele frequency attached by ClinVar (database versions not stated): gnomAD exomes 0.00001.

Submission:

Labcorp Genetics (formerly Invitae), Labcorp
Classification: Uncertain significance for Hereditary diffuse gastric adenocarcinoma. Last evaluated: 2022-07-14. Review status: criteria provided, single submitter. Criteria: Invitae Variant Classification Sherloc (09022015). Collection method: clinical testing. Allele origin: germline.
Comment: In summary, the available evidence is currently insufficient to determine the role of this variant in disease. Therefore, it has been classified as a Variant of Uncertain Significance. Algorithms developed to predict the effect of missense changes on protein structure and function are either unavailable or do not agree on the potential impact of this missense change (SIFT: "Deleterious"; PolyPhen-2: "Benign"; Align-GVGD: "Class C0"). ClinVar contains an entry for this variant (Variation ID: 1485142). This variant has not been reported in the literature in individuals affected with CDH1-related conditions. The frequency data for this variant in the population databases is considered unreliable, as metrics indicate poor data quality at this position in the gnomAD database. This sequence change replaces leucine, which is neutral and non-polar, with proline, which is neutral and non-polar, at codon 12 of the CDH1 protein (p.Leu12Pro).